The following is an entry in ClinVar:

NM_000179.3(MSH6):c.1550T>C (p.Ile517Thr)

Gene: MSH6 (mutS homolog 6; plus strand). Cytogenetic location: 2p16.3.
Variant type: single nucleotide variant.
Coding change: c.1550T>C on transcript NM_000179.3 (MANE Select); coding-DNA position 1550, T replaced by C.
Protein change: p.Ile517Thr; replaces isoleucine 517 with threonine.
Molecular consequence: missense variant.
Genome position (GRCh38, 1-based): chr2:47,799,533, T>C. VCF-style: chr2-47799533-T-C. GRCh37 (hg19) VCF-style: chr2-48026672-T-C.
Other names: c.1160T>C, p.Ile387Thr (NM_001281492.2); c.644T>C, p.Ile215Thr (NM_001281493.2, NM_001281494.2); short protein forms I387T, I517T, I215T.
Identifiers: ClinVar variation 923399 (VCV000923399.8), dbSNP rs1669343851, ClinGen allele CA346746657.

ClinVar aggregate classification (germline): Uncertain significance. Review status: criteria provided, multiple submitters, no conflicts (2 of 4 stars). 4 submissions from 4 submitters: Uncertain significance (4). Last evaluated 2026-01-26.

Conditions:
Hereditary nonpolyposis colorectal neoplasms. Identifiers: MedGen C0009405, MeSH D003123.
Hereditary cancer-predisposing syndrome. Also called: Neoplastic Syndromes, Hereditary; Tumor predisposition; Hereditary Cancer Syndrome; Hereditary neoplastic syndrome. Identifiers: Orphanet 140162, MedGen C0027672, MeSH D009386, MONDO:0015356.

Allele frequency attached by ClinVar (database versions not stated): gnomAD exomes 0.00001.
gnomAD v4.1: 7 of 1,614,186 alleles (0.00043%); highest among the groups gnomAD compares: Non-Finnish European, 0.00059%; no homozygotes.

Submissions (4):

Labcorp Genetics (formerly Invitae), Labcorp
Classification: Uncertain significance for Hereditary nonpolyposis colorectal neoplasms. Last evaluated: 2026-01-26. Review status: criteria provided, single submitter. Criteria: Invitae Variant Classification Sherloc (09022015). Collection method: clinical testing. Allele origin: germline.
Comment: This sequence change replaces isoleucine, which is neutral and non-polar, with threonine, which is neutral and polar, at codon 517 of the MSH6 protein (p.Ile517Thr). This variant is not present in population databases (gnomAD no frequency). This variant has not been reported in the literature in individuals affected with MSH6-related conditions. ClinVar contains an entry for this variant (Variation ID: 923399). Invitae Evidence Modeling of protein sequence and biophysical properties (such as structural, functional, and spatial information, amino acid conservation, physicochemical variation, residue mobility, and thermodynamic stability) indicates that this missense variant is not expected to disrupt MSH6 protein function with a negative predictive value of 95%. In summary, the available evidence is currently insufficient to determine the role of this variant in disease. Therefore, it has been classified as a Variant of Uncertain Significance.

Color Diagnostics, LLC DBA Color Health
Classification: Uncertain significance for Hereditary cancer-predisposing syndrome. Last evaluated: 2025-11-04. Review status: criteria provided, single submitter. Criteria: ACMG Guidelines, 2015. Collection method: clinical testing. Allele origin: germline.
Comment: This missense variant replaces isoleucine with threonine at codon 517 of the MSH6 protein. Computational prediction is inconclusive regarding the impact of this variant on protein structure and function. To our knowledge, functional studies have not been reported for this variant. This variant has not been reported in individuals affected with MSH6-related disorders in the literature. This variant has been identified in 7/1461876 chromosomes in the general population by the Genome Aggregation Database (gnomAD). The available evidence is insufficient to determine the role of this variant in disease conclusively. Therefore, this variant is classified as a Variant of Uncertain Significance.

Ambry Genetics
Classification: Uncertain significance for Hereditary cancer-predisposing syndrome. Last evaluated: 2023-12-23. Review status: criteria provided, single submitter. Criteria: Ambry Variant Classification Scheme 2023. Collection method: clinical testing. Allele origin: germline.
Comment: The p.I517T variant (also known as c.1550T>C), located in coding exon 4 of the MSH6 gene, results from a T to C substitution at nucleotide position 1550. The isoleucine at codon 517 is replaced by threonine, an amino acid with similar properties. This amino acid position is conserved. In addition, this alteration is predicted to be deleterious by in silico analysis. Since supporting evidence is limited at this time, the clinical significance of this alteration remains unclear.

Quest Diagnostics Nichols Institute San Juan Capistrano
Classification: Uncertain significance. Last evaluated: 2019-09-06. Review status: criteria provided, single submitter. Criteria: Quest Diagnostics criteria. Collection method: clinical testing. Allele origin: unknown.